The following is an entry in ClinVar:

NM_006265.3(RAD21):c.1525C>T (p.Pro509Ser)

Gene: RAD21 (RAD21 cohesin complex component; minus strand). Cytogenetic location: 8q24.11.
Variant type: single nucleotide variant.
Coding change: c.1525C>T on transcript NM_006265.3 (MANE Select); coding-DNA position 1525, C replaced by T.
Protein change: p.Pro509Ser; replaces proline 509 with serine.
Molecular consequence: missense variant.
Genome position (GRCh38, 1-based): chr8:116,850,713, G>A on the plus strand (C>T on the coding strand, the complement: RAD21 is on the minus strand). VCF-style: chr8-116850713-G-A. GRCh37 (hg19) VCF-style: chr8-117862952-G-A.
Other names: short protein forms P509S.
Identifiers: ClinVar variation 4709673 (VCV004709673.1).

ClinVar aggregate classification (germline): Uncertain significance (1 of 4 stars; one submission).

Conditions:
Cornelia de Lange syndrome 4 (CDLS4). Also called: RAD21-Related Cornelia de Lange Syndrome; CORNELIA DE LANGE SYNDROME 4 WITH OR WITHOUT MIDLINE BRAIN DEFECTS. Identifiers: Orphanet 199, MedGen C3553517, MONDO:0013864, OMIM 614701.

Submission:

Labcorp Genetics (formerly Invitae), Labcorp
Classification: Uncertain significance for Cornelia de Lange syndrome 4. Last evaluated: 2025-03-11. Review status: criteria provided, single submitter. Criteria: Invitae Variant Classification Sherloc (09022015). Collection method: clinical testing. Allele origin: germline.
Comment: This sequence change replaces proline, which is neutral and non-polar, with serine, which is neutral and polar, at codon 509 of the RAD21 protein (p.Pro509Ser). This variant is not present in population databases (gnomAD no frequency). This variant has not been reported in the literature in individuals affected with RAD21-related conditions. Invitae Evidence Modeling of protein sequence and biophysical properties (such as structural, functional, and spatial information, amino acid conservation, physicochemical variation, residue mobility, and thermodynamic stability) indicates that this missense variant is not expected to disrupt RAD21 protein function with a negative predictive value of 95%. In summary, the available evidence is currently insufficient to determine the role of this variant in disease. Therefore, it has been classified as a Variant of Uncertain Significance.